The following is an entry in ClinVar:

ClinVar aggregate classification (germline): Uncertain significance. Review status: criteria provided, multiple submitters, no conflicts (2 of 4 stars). 2 submissions from 2 submitters: Uncertain significance (2). Last evaluated 2024-04-24.

Conditions:
Idiopathic generalized epilepsy. Also called: EIG; Generalised epilepsy. Identifiers: MedGen C0270850, MONDO:0005579, OMIM 600669.
Hyperaldosteronism, familial, type IV (HALD4). Also called: FH IV; ALDOSTERONISM, PRIMARY, AND HYPERTENSION. Identifiers: Orphanet 642671, MedGen C4310756, MONDO:0014875, OMIM 617027.

Allele frequency attached by ClinVar (database versions not stated): gnomAD exomes below 0.00001; ExAC 0.00001; gnomAD 0.00001.
gnomAD v4.1: 5 of 1,601,580 alleles (0.00031%); highest among the groups gnomAD compares: Non-Finnish European, 0.00034%; no homozygotes.

Submissions (2):

Labcorp Genetics (formerly Invitae), Labcorp
Classification: Uncertain significance for Idiopathic generalized epilepsy; Hyperaldosteronism, familial, type IV. Last evaluated: 2024-04-24. Review status: criteria provided, single submitter. Criteria: Invitae Variant Classification Sherloc (09022015). Collection method: clinical testing. Allele origin: germline.
Comment: This sequence change replaces arginine, which is basic and polar, with histidine, which is basic and polar, at codon 1803 of the CACNA1H protein (p.Arg1803His). This variant is not present in population databases (gnomAD no frequency). This variant has not been reported in the literature in individuals affected with CACNA1H-related conditions. ClinVar contains an entry for this variant (Variation ID: 2446220). Advanced modeling of protein sequence and biophysical properties (such as structural, functional, and spatial information, amino acid conservation, physicochemical variation, residue mobility, and thermodynamic stability) performed at Invitae indicates that this missense variant is expected to disrupt CACNA1H protein function with a positive predictive value of 80%. In summary, the available evidence is currently insufficient to determine the role of this variant in disease. Therefore, it has been classified as a Variant of Uncertain Significance.

GeneDx
Classification: Uncertain significance. Last evaluated: 2022-09-26. Review status: criteria provided, single submitter. Criteria: GeneDx Variant Classification Process June 2021. Collection method: clinical testing. Allele origin: germline. Affected: yes.
Comment: Not observed at significant frequency in large population cohorts (gnomAD); In silico analysis supports that this missense variant has a deleterious effect on protein structure/function; Has not been previously published as pathogenic or benign to our knowledge

NM_021098.3(CACNA1H):c.5408G>A (p.Arg1803His)

Gene: CACNA1H (calcium voltage-gated channel subunit alpha1 H; plus strand). Cytogenetic location: 16p13.3.
Variant type: single nucleotide variant.
Coding change: c.5408G>A on transcript NM_021098.3 (MANE Select); coding-DNA position 5408, G replaced by A.
Protein change: p.Arg1803His; replaces arginine 1803 with histidine.
Molecular consequence: missense variant.
Genome position (GRCh38, 1-based): chr16:1,218,003, G>A. VCF-style: chr16-1218003-G-A. GRCh37 (hg19) VCF-style: chr16-1268003-G-A.
Other names: c.5390G>A, p.Arg1797His (NM_001005407.2); short protein forms R1797H, R1803H.
Identifiers: ClinVar variation 2446220 (VCV002446220.3), dbSNP rs750373293, ClinGen allele CA7801997.